The following is an entry in ClinVar:

NM_004360.5(CDH1):c.1497T>C (p.Phe499=)

Gene: CDH1 (cadherin 1; plus strand). Cytogenetic location: 16q22.1.
Variant type: single nucleotide variant.
Coding change: c.1497T>C on transcript NM_004360.5 (MANE Select); coding-DNA position 1497, T replaced by C.
Protein change: p.Phe499=; no amino-acid change (phenylalanine 499 retained).
Molecular consequence: synonymous variant. On other transcripts: 5 prime UTR variant (2).
Genome position (GRCh38, 1-based): chr16:68,815,691, T>C. VCF-style: chr16-68815691-T-C. GRCh37 (hg19) VCF-style: chr16-68849594-T-C.
Other names: c.1497T>C (LRG_301t1); c.1314T>C, p.Phe438= (NM_001317184.2); c.-52T>C (NM_001317185.2); c.-323T>C (NM_001317186.2).
Identifiers: ClinVar variation 239882 (VCV000239882.17), dbSNP rs878854678, ClinGen allele CA10583417.

ClinVar aggregate classification (germline): Benign/Likely benign. Review status: criteria provided, multiple submitters, no conflicts (2 of 4 stars). 4 submissions from 4 submitters: Benign (1); Likely benign (3). Last evaluated 2024-09-19.

Conditions:
Hereditary cancer-predisposing syndrome. Also called: Neoplastic Syndromes, Hereditary; Tumor predisposition; Hereditary neoplastic syndrome; Hereditary Cancer Syndrome. Identifiers: Orphanet 140162, MedGen C0027672, MeSH D009386, MONDO:0015356.
Hereditary diffuse gastric adenocarcinoma (HDGC). Also called: DIFFUSE GASTRIC AND LOBULAR BREAST CANCER SYNDROME. Identifiers: Orphanet 26106, MedGen C1708349, MONDO:0007648, OMIM 137215.

Allele frequency attached by ClinVar (database versions not stated): gnomAD exomes below 0.00001.

Submissions (4):

Myriad Genetics, Inc.
Classification: Benign for Hereditary diffuse gastric adenocarcinoma. Last evaluated: 2024-09-19. Review status: criteria provided, single submitter. Criteria: Myriad Autosomal Dominant, Autosomal Recessive and X-Linked Classification Criteria (2023). Collection method: clinical testing. Allele origin: unknown.
Comment: This variant is considered benign. This variant is a silent/synonymous amino acid change and it is not expected to impact splicing.

Labcorp Genetics (formerly Invitae), Labcorp
Classification: Likely benign for Hereditary diffuse gastric adenocarcinoma. Last evaluated: 2021-12-09. Review status: criteria provided, single submitter. Criteria: Invitae Variant Classification Sherloc (09022015). Collection method: clinical testing. Allele origin: germline.

Color Diagnostics, LLC DBA Color Health
Classification: Likely benign for Hereditary cancer-predisposing syndrome. Last evaluated: 2021-03-22. Review status: criteria provided, single submitter. Criteria: ACMG Guidelines, 2015. Collection method: clinical testing. Allele origin: germline.

Ambry Genetics
Classification: Likely benign for Hereditary cancer-predisposing syndrome. Last evaluated: 2019-12-13. Review status: criteria provided, single submitter. Criteria: Ambry Variant Classification Scheme 2023. Collection method: clinical testing. Allele origin: germline.